The following is an entry in ClinVar:

ClinVar aggregate classification (germline): Pathogenic (1 of 4 stars; one submission).

Conditions:
Fetal anomalies with a likely genetic cause.

gnomAD v4.1: 8 of 1,613,554 alleles (0.0005%); highest among the groups gnomAD compares: Non-Finnish European, 0.00068%; no homozygotes.

Submission:

Genetics Laboratory, Great Ormond Street Hospital NHS Foundation Trust, North Thames Genomic Laboratory Hub
Classification: Pathogenic for Fetal anomalies with a likely genetic cause. Last evaluated: 2026-02-08. Review status: criteria provided, single submitter. Criteria: ACGS Best Practice Guidelines for Variant Classification in Rare Disease 2024 v1.2. Collection method: clinical testing. Allele origin: germline. Affected: yes.
Comment: PM2_moderate, PVS1_very-strong

NM_001166355.2(LFNG):c.55C>T (p.Gln19Ter)

Gene: LFNG (LFNG O-fucosylpeptide 3-beta-N-acetylglucosaminyltransferase; plus strand). Cytogenetic location: 7p22.3.
Variant type: single nucleotide variant.
Coding change: c.55C>T on transcript NM_001166355.2; coding-DNA position 55, C replaced by T.
Protein change: p.Gln19Ter; replaces glutamine 19 with a stop codon.
Molecular consequence: nonsense.
Genome position (GRCh38, 1-based): chr7:2,513,164, C>T. VCF-style: chr7-2513164-C-T. GRCh37 (hg19) VCF-style: chr7-2552798-C-T.
Other names: short protein forms Q19*.
Identifiers: ClinVar variation 4819703 (VCV004819703.1).